The following is an entry in ClinVar:

NM_001276270.2(MBD4):c.1690C>T (p.Leu564Phe)

Gene: MBD4 (methyl-CpG binding domain 4, DNA glycosylase; minus strand). Cytogenetic location: 3q21.3.
Variant type: single nucleotide variant.
Coding change: c.1690C>T on transcript NM_001276270.2 (MANE Select); coding-DNA position 1690, C replaced by T.
Protein change: p.Leu564Phe; replaces leucine 564 with phenylalanine.
Molecular consequence: missense variant. On other transcripts: 3 prime UTR variant (1).
Genome position (GRCh38, 1-based): chr3:129,431,536, G>A on the plus strand (C>T on the coding strand, the complement: MBD4 is on the minus strand). VCF-style: chr3-129431536-G-A. GRCh37 (hg19) VCF-style: chr3-129150379-G-A.
Other names: c.*32C>T (NM_001276272.2); c.754C>T, p.Leu252Phe (NM_001276273.2); c.1708C>T, p.Leu570Phe (NM_003925.3); short protein forms L252F, L564F, L570F.
Identifiers: ClinVar variation 4104620 (VCV004104620.1).

ClinVar aggregate classification (germline): Uncertain significance (1 of 4 stars; one submission).

Conditions:
Inborn genetic diseases. Identifiers: MedGen C0950123, MeSH D030342.

Submission:

Ambry Genetics
Classification: Uncertain significance for Inborn genetic diseases. Last evaluated: 2025-07-21. Review status: criteria provided, single submitter. Criteria: Ambry Variant Classification Scheme 2023. Collection method: clinical testing. Allele origin: germline.
Comment: The p.L564F variant (also known as c.1690C>T), located in coding exon 8 of the MBD4 gene, results from a C to T substitution at nucleotide position 1690. The leucine at codon 564 is replaced by phenylalanine, an amino acid with highly similar properties. This amino acid position is conserved. In addition, the in silico prediction for this alteration is inconclusive. Based on the available evidence, the clinical significance of this variant remains unclear.